The following is an entry in ClinVar:

ClinVar aggregate classification (germline): Uncertain significance (1 of 4 stars; one submission).

Conditions:
Walker-Warburg congenital muscular dystrophy. Also called: Muscular dystrophy-dystroglycanopathy, type A; Walker-Warburg syndrome. Identifiers: Orphanet 899, MedGen C0265221, MONDO:0000171.

Submission:

Labcorp Genetics (formerly Invitae), Labcorp
Classification: Uncertain significance for Walker-Warburg congenital muscular dystrophy. Last evaluated: 2025-02-02. Review status: criteria provided, single submitter. Criteria: Invitae Variant Classification Sherloc (09022015). Collection method: clinical testing. Allele origin: germline.
Comment: This sequence change replaces leucine, which is neutral and non-polar, with proline, which is neutral and non-polar, at codon 340 of the FKTN protein (p.Leu340Pro). This variant is not present in population databases (gnomAD no frequency). This variant has not been reported in the literature in individuals affected with FKTN-related conditions. Invitae Evidence Modeling of protein sequence and biophysical properties (such as structural, functional, and spatial information, amino acid conservation, physicochemical variation, residue mobility, and thermodynamic stability) indicates that this missense variant is expected to disrupt FKTN protein function with a positive predictive value of 95%. In summary, the available evidence is currently insufficient to determine the role of this variant in disease. Therefore, it has been classified as a Variant of Uncertain Significance.

NM_001079802.2(FKTN):c.1019T>C (p.Leu340Pro)

Gene: FKTN (fukutin; plus strand). Cytogenetic location: 9q31.2.
Variant type: single nucleotide variant.
Coding change: c.1019T>C on transcript NM_001079802.2 (MANE Select); coding-DNA position 1019, T replaced by C.
Protein change: p.Leu340Pro; replaces leucine 340 with proline.
Molecular consequence: missense variant. On other transcripts: non-coding transcript variant (1).
Genome position (GRCh38, 1-based): chr9:105,618,067, T>C. VCF-style: chr9-105618067-T-C. GRCh37 (hg19) VCF-style: chr9-108380348-T-C.
Other names: c.1019T>C, p.Leu340Pro (NM_001198963.2, NM_001351496.2, NM_001351498.2 and 1 more transcripts); c.950T>C, p.Leu317Pro (NM_001351497.2); c.623T>C, p.Leu208Pro (NM_001351499.2, NM_001351500.2, NM_001351501.2 and 1 more transcripts); short protein forms L317P, L340P, L208P.
Identifiers: ClinVar variation 4693989 (VCV004693989.1).